The following is an entry in ClinVar:

NM_001110556.2(FLNA):c.6809G>A (p.Gly2270Asp)

Gene: FLNA (filamin A; minus strand). Cytogenetic location: Xq28.
Variant type: single nucleotide variant.
Coding change: c.6809G>A on transcript NM_001110556.2 (MANE Select); coding-DNA position 6809, G replaced by A.
Protein change: p.Gly2270Asp; replaces glycine 2270 with aspartic acid.
Molecular consequence: missense variant.
Genome position (GRCh38, 1-based): chrX:154,351,982, C>T on the plus strand (G>A on the coding strand, the complement: FLNA is on the minus strand). VCF-style: chrX-154351982-C-T. GRCh37 (hg19) VCF-style: chrX-153580350-C-T.
Other names: c.6785G>A, p.Gly2262Asp (NM_001456.4); short protein forms G2262D, G2270D.
Identifiers: ClinVar variation 2946249 (VCV002946249.3), dbSNP rs2522719756, ClinGen allele CA415186668.
Genomic context (GRCh38, chrX:154,351,982, plus strand): 5'-TCCTTGCGGTCCTCAAAAGAGATCTCAGCCTTGCTGGGGCCCTCGACAGCAATGGCCAGG[C>T]CTCCAGCACCAGCTTCCCGGGTCCAGATACTGAATTCGGCTGTGGGAGAACAGTTTGTCC-3'
Protein context (NP_001104026.1, residues 2260-2280): SIWTREAGAG[Gly2270Asp]LAIAVEGPSK

ClinVar aggregate classification (germline): Uncertain significance (1 of 4 stars; one submission).

Conditions:
Oto-palato-digital syndrome, type II (OPD2). Also called: FACIOPALATOOSSEOUS SYNDROME; OPD II SYNDROME; Otopalatodigital Syndrome, Type II; Otopalatodigital Syndrome Type 2 (FLNA-OPD2). Identifiers: Orphanet 669, Orphanet 90652, MedGen C1844696, MONDO:0010571, OMIM 304120.
Heterotopia, periventricular, X-linked dominant (PVNH1). Also called: PERIVENTRICULAR NODULAR HETEROTOPIA 1; X-linked periventricular heterotopia; PERIVENTRICULAR NODULAR HETEROTOPIA 4; HETEROTOPIA, PERIVENTRICULAR, 1. Identifiers: Orphanet 2149, Orphanet 82004, MedGen C1848213, MONDO:0010233, OMIM 300049.
Frontometaphyseal dysplasia (FMD1). Identifiers: Orphanet 1826, MedGen C0265293, MONDO:0015942.
Melnick-Needles syndrome (MNS). Also called: MELNICK-NEEDLES OSTEODYSPLASTY; OSTEODYSPLASTY OF MELNICK AND NEEDLES; Melnick-Needles Syndrome (FLNA-MNS). Identifiers: Orphanet 2484, MedGen C0025237, MONDO:0010650, OMIM 309350.

Submission:

Labcorp Genetics (formerly Invitae), Labcorp
Classification: Uncertain significance for Oto-palato-digital syndrome, type II; Heterotopia, periventricular, X-linked dominant; Frontometaphyseal dysplasia; Melnick-Needles syndrome. Last evaluated: 2023-04-06. Review status: criteria provided, single submitter. Criteria: Invitae Variant Classification Sherloc (09022015). Collection method: clinical testing. Allele origin: germline.
Comment: In summary, the available evidence is currently insufficient to determine the role of this variant in disease. Therefore, it has been classified as a Variant of Uncertain Significance. Advanced modeling of protein sequence and biophysical properties (such as structural, functional, and spatial information, amino acid conservation, physicochemical variation, residue mobility, and thermodynamic stability) performed at Invitae indicates that this missense variant is not expected to disrupt FLNA protein function. This variant has not been reported in the literature in individuals affected with FLNA-related conditions. This variant is not present in population databases (gnomAD no frequency). This sequence change replaces glycine, which is neutral and non-polar, with aspartic acid, which is acidic and polar, at codon 2262 of the FLNA protein (p.Gly2262Asp).